The following is an entry in ClinVar:

ClinVar aggregate classification (germline): Uncertain significance (1 of 4 stars; one submission).

Conditions:
Congenital myasthenic syndrome 15. Also called: Myasthenic syndrome, congenital, 15, without tubular aggregates. Identifiers: Orphanet 353327, Orphanet 590, MedGen C4015596, MONDO:0014542, OMIM 616227.

Submission:

Labcorp Genetics (formerly Invitae), Labcorp
Classification: Uncertain significance for Congenital myasthenic syndrome 15. Last evaluated: 2022-02-08. Review status: criteria provided, single submitter. Criteria: Invitae Variant Classification Sherloc (09022015). Collection method: clinical testing. Allele origin: germline.
Comment: In summary, the available evidence is currently insufficient to determine the role of this variant in disease. Therefore, it has been classified as a Variant of Uncertain Significance. Algorithms developed to predict the effect of missense changes on protein structure and function are either unavailable or do not agree on the potential impact of this missense change (SIFT: "Tolerated"; PolyPhen-2: "Probably Damaging"; Align-GVGD: "Class C0"). This variant has not been reported in the literature in individuals affected with ALG14-related conditions. This variant is not present in population databases (gnomAD no frequency). This sequence change replaces alanine, which is neutral and non-polar, with proline, which is neutral and non-polar, at codon 43 of the ALG14 protein (p.Ala43Pro).

NM_144988.4(ALG14):c.127G>C (p.Ala43Pro)

Genes: ALG14 (ALG14 UDP-N-acetylglucosaminyltransferase subunit; minus strand), LOC129930989 (ATAC-STARR-seq lymphoblastoid active region 1353; plus strand). Cytogenetic location: 1p21.3.
Variant type: single nucleotide variant.
Coding change: c.127G>C on transcript NM_144988.4 (MANE Select); coding-DNA position 127, G replaced by C.
Protein change: p.Ala43Pro; replaces alanine 43 with proline.
Molecular consequence: missense variant. On other transcripts: non-coding transcript variant (1).
Genome position (GRCh38, 1-based): chr1:95,072,772, C>G on the plus strand (G>C on the coding strand, the complement: ALG14 is on the minus strand). VCF-style: chr1-95072772-C-G. GRCh37 (hg19) VCF-style: chr1-95538328-C-G.
Other names: c.127G>C, p.Ala43Pro (NM_001305242.2); short protein forms A43P.
Identifiers: ClinVar variation 2049167 (VCV002049167.4), dbSNP rs2525879275, ClinGen allele CA341367096.